The following is an entry in ClinVar:

NM_002764.4(PRPS1):c.122+1G>A

Gene: PRPS1 (phosphoribosyl pyrophosphate synthetase 1; plus strand). Cytogenetic location: Xq22.3.
Variant type: single nucleotide variant.
Coding change: c.122+1G>A on transcript NM_002764.4 (MANE Select); the canonical splice donor site of the intron after coding-DNA position 122, G replaced by A.
Molecular consequence: splice donor variant.
Genome position (GRCh38, 1-based): chrX:107,628,751, G>A. VCF-style: chrX-107628751-G-A. GRCh37 (hg19) VCF-style: chrX-106871981-G-A.
Other names: c.-83+1G>A (NM_001204402.2).
Identifiers: ClinVar variation 3724576 (VCV003724576.2).
Genomic context (GRCh38, chrX:107,628,751, plus strand): 5'-CCGCCTGGGCCTGGAGCTAGGCAAGGTGGTGACTAAGAAATTCAGCAACCAGGAGACCTG[G>A]TAAGGACCAAGTTGGGACCCTGACTAGACCTCACCTGCCCAGGCGGCAGAGTATAGGAGG-3'

ClinVar aggregate classification (germline): Likely pathogenic (1 of 4 stars; one submission).

Conditions:
Charcot-Marie-Tooth Neuropathy X. Identifiers: MedGen CN118851.

gnomAD v4.1: 1 of 1,211,339 alleles (0.000083%); highest among the groups gnomAD compares: Non-Finnish European, 0.00011%; no homozygotes.

Submission:

Labcorp Genetics (formerly Invitae), Labcorp
Classification: Likely pathogenic for Charcot-Marie-Tooth Neuropathy X. Last evaluated: 2024-11-03. Review status: criteria provided, single submitter. Criteria: Invitae Variant Classification Sherloc (09022015). Collection method: clinical testing. Allele origin: germline.
Comment: This sequence change affects a donor splice site in intron 1 of the PRPS1 gene. It is expected to disrupt RNA splicing. Variants that disrupt the donor or acceptor splice site typically lead to a loss of protein function (PMID: 16199547), and loss-of-function variants in PRPS1 are known to be pathogenic (PMID: 24528855). This variant is not present in population databases (gnomAD no frequency). This variant has not been reported in the literature in individuals affected with PRPS1-related conditions. Algorithms developed to predict the effect of sequence changes on RNA splicing suggest that this variant may disrupt the consensus splice site. In summary, the currently available evidence indicates that the variant is pathogenic, but additional data are needed to prove that conclusively. Therefore, this variant has been classified as Likely Pathogenic.

Literature cited by the submitters: PubMed 16199547; PubMed 24528855.